The following is an entry in ClinVar:

NM_201548.5(CERKL):c.75del (p.Ala26fs)

Gene: CERKL (CERK like autophagy regulator; minus strand). Cytogenetic location: 2q31.3.
Variant type: Deletion.
Coding change: c.75del on transcript NM_201548.5 (MANE Select); coding-DNA position 75, one base deleted (T; older notation c.75delT).
Protein change: p.Ala26fs; shifts the reading frame from alanine 26.
Molecular consequence: frameshift variant. On other transcripts: non-coding transcript variant (2).
Genome position (GRCh38, 1-based): chr2:181,656,932, A deleted on the plus strand (T on the coding strand, the reverse complement: CERKL is on the minus strand). VCF-style (leftmost placement, unchanged base first): chr2-181656931-CA-C. GRCh37 (hg19) VCF-style: chr2-182521658-CA-C.
Other names: c.75del, p.Ala26fs (NM_001030311.3, NM_001030312.3, NM_001030313.3 and 1 more transcripts); short protein forms A26fs.
Identifiers: ClinVar variation 4081610 (VCV004081610.1).

ClinVar aggregate classification (germline): Pathogenic (1 of 4 stars; one submission).

Conditions:
Retinitis pigmentosa 26 (RP26). Identifiers: Orphanet 791, MedGen C1842127, MONDO:0012024, OMIM 608380.

Submission:

Myriad Genetics, Inc.
Classification: Pathogenic for Retinitis pigmentosa 26. Last evaluated: 2025-06-10. Review status: criteria provided, single submitter. Criteria: Myriad Autosomal Dominant, Autosomal Recessive and X-Linked Classification Criteria (2023). Collection method: clinical testing. Allele origin: unknown.
Comment: NM_001030311.2(CERKL):c.75delT(A26Pfs*8) is a frameshift variant classified as pathogenic in the context of retinitis pigmentosa, CERKL-related. A26Pfs*8 has not been observed in cases with relevant disease. Relevant functional assessments of this variant are not available in the literature. A26Pfs*8 has not been observed in referenced population frequency databases. In summary, NM_001030311.2(CERKL):c.75delT(A26Pfs*8) is a frameshift variant in a gene where loss of function is a known mechanism of disease and is predicted to disrupt protein function. Please note: this variant was assessed in the context of healthy population screening.